The following is an entry in ClinVar:

NM_001122769.3(LCA5):c.1173del (p.Lys391fs)

Gene: LCA5 (lebercilin LCA5; minus strand). Cytogenetic location: 6q14.1.
Variant type: Deletion.
Coding change: c.1173del on transcript NM_001122769.3 (MANE Select); coding-DNA position 1173, one base deleted (A; older notation c.1173delA).
Protein change: p.Lys391fs; shifts the reading frame from lysine 391.
Molecular consequence: frameshift variant.
Genome position (GRCh38, 1-based): chr6:79,489,142, T deleted on the plus strand (A on the coding strand, the reverse complement: LCA5 is on the minus strand); the first of 5 consecutive T bases (chr6:79,489,142-79,489,146); deleting any one gives the same sequence. VCF-style (leftmost placement, unchanged base first): chr6-79489141-AT-A. GRCh37 (hg19) VCF-style: chr6-80198858-AT-A.
Other names: c.1173del, p.Lys391fs (NM_181714.4); short protein forms K391fs.
Identifiers: ClinVar variation 838424 (VCV000838424.7), dbSNP rs1769762719, ClinGen allele CA916082883.

ClinVar aggregate classification (germline): Pathogenic (1 of 4 stars; one submission).

Submission:

Labcorp Genetics (formerly Invitae), Labcorp
Classification: Pathogenic. Last evaluated: 2022-02-23. Review status: criteria provided, single submitter. Criteria: Invitae Variant Classification Sherloc (09022015). Collection method: clinical testing. Allele origin: germline.
Comment: This sequence change creates a premature translational stop signal (p.Lys391Asnfs*11) in the LCA5 gene. While this is not anticipated to result in nonsense mediated decay, it is expected to disrupt the last 307 amino acid(s) of the LCA5 protein. This variant is not present in population databases (gnomAD no frequency). This variant has not been reported in the literature in individuals affected with LCA5-related conditions. ClinVar contains an entry for this variant (Variation ID: 838424). This variant disrupts a region of the LCA5 protein in which other variant(s) (p.Lys586*) have been determined to be pathogenic (PMID: 23946133, 27624628). This suggests that this is a clinically significant region of the protein, and that variants that disrupt it are likely to be disease-causing. For these reasons, this variant has been classified as Pathogenic.

Literature cited by the submitters: PubMed 23946133; PubMed 27624628.